The following is an entry in ClinVar:

NM_000474.4(TWIST1):c.472T>C (p.Phe158Leu)

Genes: TWIST1 (twist family bHLH transcription factor 1; minus strand), LOC129998021 (ATAC-STARR-seq lymphoblastoid active region 25682; plus strand). Cytogenetic location: 7p21.1.
Variant type: single nucleotide variant.
Coding change: c.472T>C on transcript NM_000474.4 (MANE Select); coding-DNA position 472, T replaced by C.
Protein change: p.Phe158Leu; replaces phenylalanine 158 with leucine.
Molecular consequence: missense variant. On other transcripts: non-coding transcript variant (1).
Genome position (GRCh38, 1-based): chr7:19,116,850, A>G on the plus strand (T>C on the coding strand, the complement: TWIST1 is on the minus strand). VCF-style: chr7-19116850-A-G. GRCh37 (hg19) VCF-style: chr7-19156473-A-G.
Other names: short protein forms F158L.
Identifiers: ClinVar variation 1480108 (VCV001480108.8), dbSNP rs2115396574, ClinGen allele CA367015365.

ClinVar aggregate classification (germline): Likely pathogenic (1 of 4 stars; one submission).

Conditions:
TWIST1-related craniosynostosis (CRS1). Also called: CRANIOSYNOSTOSIS 1. Identifiers: Orphanet 63440, MedGen C4551902, MONDO:0007399, OMIM 123100. Inheritance: Heterogenous inheritance pattern.
Saethre-Chotzen syndrome (SCS). Also called: ACROCEPHALY, SKULL ASYMMETRY, AND MILD SYNDACTYLY; ACS III; CHOTZEN SYNDROME. Identifiers: Orphanet 794, MedGen C0175699, MONDO:0007042, OMIM 101400.

Submission:

Labcorp Genetics (formerly Invitae), Labcorp
Classification: Likely pathogenic for TWIST1-related craniosynostosis; Saethre-Chotzen syndrome. Last evaluated: 2021-04-29. Review status: criteria provided, single submitter. Criteria: Invitae Variant Classification Sherloc (09022015). Collection method: clinical testing. Allele origin: germline.
Comment: This missense change has been observed in individual(s) with clinical features of Saethre-Chotzen syndrome (PMID: 11748846, 16251895, 19483581). Algorithms developed to predict the effect of missense changes on protein structure and function are either unavailable or do not agree on the potential impact of this missense change (SIFT: "Deleterious"; PolyPhen-2: "Probably Damaging"; Align-GVGD: "Class C0"). In summary, the currently available evidence indicates that the variant is pathogenic, but additional data are needed to prove that conclusively. Therefore, this variant has been classified as Likely Pathogenic. This sequence change replaces phenylalanine with leucine at codon 158 of the TWIST1 protein (p.Phe158Leu). The phenylalanine residue is highly conserved and there is a small physicochemical difference between phenylalanine and leucine. This variant is not present in population databases (ExAC no frequency).

Literature cited by the submitters: PubMed 11748846; PubMed 16251895; PubMed 19483581.